The following is an entry in ClinVar:

NM_001372.4(DNAH9):c.11015G>A (p.Arg3672Gln)

Gene: DNAH9 (dynein axonemal heavy chain 9; plus strand). Cytogenetic location: 17p12.
Variant type: single nucleotide variant.
Coding change: c.11015G>A on transcript NM_001372.4 (MANE Select); coding-DNA position 11015, G replaced by A.
Protein change: p.Arg3672Gln; replaces arginine 3672 with glutamine.
Molecular consequence: missense variant. On other transcripts: 5 prime UTR variant (1).
Genome position (GRCh38, 1-based): chr17:11,886,868, G>A. VCF-style: chr17-11886868-G-A. GRCh37 (hg19) VCF-style: chr17-11790185-G-A.
Other names: c.-50G>A (NM_004662.2); c.11015G>A (NM_001372.3); short protein forms R3672Q.
Identifiers: ClinVar variation 2186373 (VCV002186373.2), dbSNP rs560518851, ClinGen allele CA8397710.
Genomic context (GRCh38, chr17:11,886,868, plus strand): 5'-GTTTATTTTTCCAACAGGTCCAGGAGGCCAAGGTGACTGAAGTGAAAATCAACGAGGCCC[G>A]AGAGCACTACCGGCCAGCAGCTGCCAGGGCCTCACTGCTCTACTTCATCATGAACGACCT-3'
Protein context (NP_001363.2, residues 3662-3682): KVTEVKINEA[Arg3672Gln]EHYRPAAARA

ClinVar aggregate classification (germline): Uncertain significance. Review status: criteria provided, multiple submitters, no conflicts (2 of 4 stars). 2 submissions from 2 submitters: Uncertain significance (2). Last evaluated 2024-08-07.

Conditions:
Inborn genetic diseases. Identifiers: MedGen C0950123, MeSH D030342.

Allele frequency attached by ClinVar (database versions not stated): TOPMed 0.00002; gnomAD 0.00005; gnomAD exomes 0.00008; ExAC 0.00013; 1000 Genomes Project 0.00020; 1000 Genomes Project 30x 0.00031.
gnomAD v4.1: 130 of 1,612,736 alleles (0.0081%); highest among the groups gnomAD compares: South Asian, 0.11%; 1 homozygote.

Submissions (2):

Ambry Genetics
Classification: Uncertain significance for Inborn genetic diseases. Last evaluated: 2024-08-07. Review status: criteria provided, single submitter. Criteria: Ambry Variant Classification Scheme 2023. Collection method: clinical testing. Allele origin: germline.

Labcorp Genetics (formerly Invitae), Labcorp
Classification: Uncertain significance. Last evaluated: 2022-04-19. Review status: criteria provided, single submitter. Criteria: Invitae Variant Classification Sherloc (09022015). Collection method: clinical testing. Allele origin: germline.
Comment: This sequence change replaces arginine, which is basic and polar, with glutamine, which is neutral and polar, at codon 3672 of the DNAH9 protein (p.Arg3672Gln). This variant is present in population databases (rs560518851, gnomAD 0.08%). This variant has not been reported in the literature in individuals affected with DNAH9-related conditions. Algorithms developed to predict the effect of missense changes on protein structure and function are either unavailable or do not agree on the potential impact of this missense change (SIFT: "Deleterious"; PolyPhen-2: "Probably Damaging"; Align-GVGD: "Class C0"). In summary, the available evidence is currently insufficient to determine the role of this variant in disease. Therefore, it has been classified as a Variant of Uncertain Significance.